The following is an entry in ClinVar:

ClinVar aggregate classification (germline): Uncertain significance (1 of 4 stars; one submission).

Submission:

GeneDx
Classification: Uncertain significance. Last evaluated: 2025-07-07. Review status: criteria provided, single submitter. Criteria: GeneDx Variant Classification Process June 2021. Collection method: clinical testing. Allele origin: germline. Affected: yes.
Comment: Not observed at significant frequency in large population cohorts (gnomAD); In silico analysis suggests that this missense variant does not alter protein structure/function; Has not been previously published as pathogenic or benign to our knowledge

NM_021830.5(TWNK):c.1907C>A (p.Ala636Asp)

Gene: TWNK (twinkle mtDNA helicase; plus strand). Cytogenetic location: 10q24.31.
Variant type: single nucleotide variant.
Coding change: c.1907C>A on transcript NM_021830.5 (MANE Select); coding-DNA position 1907, C replaced by A.
Protein change: p.Ala636Asp; replaces alanine 636 with aspartic acid.
Molecular consequence: missense variant. On other transcripts: 3 prime UTR variant (2), non-coding transcript variant (5).
Genome position (GRCh38, 1-based): chr10:100,993,362, C>A. VCF-style: chr10-100993362-C-A. GRCh37 (hg19) VCF-style: chr10-102753119-C-A.
Other names: c.*202C>A (NM_001163812.2, NM_001163814.2); c.545C>A, p.Ala182Asp (NM_001163813.2, NM_001368275.1); short protein forms A182D, A636D.
Identifiers: ClinVar variation 4685255 (VCV004685255.1).
Genomic context (GRCh38, chr10:100,993,362, plus strand): 5'-TCTTCCCGCTTGAGTTCAACAAGAACTCCCTCACCTTCTCCATTCCACCAAAGAACAAGG[C>A]CCGGCTCAAGAAGATCAAGGATGACACTGGACCAGTGGCCAAAAAGCCCTCTTCTGGCAA-3'
Protein context (NP_068602.2, residues 626-646): LTFSIPPKNK[Ala636Asp]RLKKIKDDTG